The following is an entry in ClinVar:

ClinVar aggregate classification (germline): Uncertain significance (1 of 4 stars; one submission).

Conditions:
Lynch syndrome. Identifiers: Orphanet 144, MedGen C4552100, MONDO:0005835. Disease mechanism: loss of function.

Submission:

All of Us Research Program, National Institutes of Health
Classification: Uncertain significance for Lynch syndrome. Last evaluated: 2023-06-26. Review status: criteria provided, single submitter. Criteria: ACMG Guidelines, 2015. Collection method: clinical testing. Allele origin: germline. Inheritance: Autosomal dominant inheritance. Observed: 1 variant allele, 1 heterozygote.
Comment: This missense variant replaces alanine with glycine at codon 1306 of the MSH6 protein. Computational prediction suggests that this variant may have deleterious impact on protein structure and function (internally defined REVEL score threshold >= 0.7, PMID: 27666373). To our knowledge, functional studies have not been reported for this variant. This variant has not been reported in individuals affected with MSH6-related disorders in the literature. This variant has not been identified in the general population by the Genome Aggregation Database (gnomAD). The available evidence is insufficient to determine the role of this variant in disease conclusively. Therefore, this variant is classified as a Variant of Uncertain Significance.

This study involves interpretation of variants in research participants for the purpose of population health screening. Participant phenotype was not available at the time of variant classification. Additional details can be found in publication PMID: 35346344, PMCID: PMC8962531

NM_000179.3(MSH6):c.3917C>G (p.Ala1306Gly)

Gene: MSH6 (mutS homolog 6; plus strand). Cytogenetic location: 2p16.3.
Variant type: single nucleotide variant.
Coding change: c.3917C>G on transcript NM_000179.3 (MANE Select); coding-DNA position 3917, C replaced by G.
Protein change: p.Ala1306Gly; replaces alanine 1306 with glycine.
Molecular consequence: missense variant. On other transcripts: non-coding transcript variant (5), intron variant (1).
Genome position (GRCh38, 1-based): chr2:47,806,567, C>G. VCF-style: chr2-47806567-C-G. GRCh37 (hg19) VCF-style: chr2-48033706-C-G.
Other names: c.3527C>G, p.Ala1176Gly (NM_001281492.2); c.3011C>G, p.Ala1004Gly (NM_001281493.2, NM_001281494.2, NM_001406811.1 and 6 more transcripts); c.4013C>G, p.Ala1338Gly (NM_001406795.1); c.3917C>G, p.Ala1306Gly (NM_001406796.1, NM_001406808.1, NM_001406809.1); c.3620C>G, p.Ala1207Gly (NM_001406797.1, NM_001406801.1, NM_001406805.1 and 10 more transcripts); c.3743C>G, p.Ala1248Gly (NM_001406798.1); c.3392C>G, p.Ala1131Gly (NM_001406799.1, NM_001406806.1, NM_001406807.1); c.3904C>G, p.Leu1302Val (NM_001406800.1); and 9 more; short protein forms A1004G, A1018G, A1131G, A1176G, A1207G, A1248G, A1250G, A1280G.
Identifiers: ClinVar variation 3072141 (VCV003072141.1), dbSNP rs2104560696, ClinGen allele CA346761454.
Genomic context (GRCh38, chr2:47,806,567, plus strand): 5'-TCTATAAATTCATTAAGGGAGCTTGTCCTAAAAGCTATGGCTTTAATGCAGCAAGGCTTG[C>G]TAATCTCCCAGAGGAAGTTATTCAAAAGGGACATAGAAAAGCAAGAGAATTTGAGAAGAT-3'
Protein context (NP_000170.1, residues 1296-1316): KSYGFNAARL[Ala1306Gly]NLPEEVIQKG